The following is an entry in ClinVar:

ClinVar aggregate classification (germline): Uncertain significance (1 of 4 stars; one submission).

Conditions:
Cardiovascular phenotype. Identifiers: MedGen CN230736.

Submission:

Ambry Genetics
Classification: Uncertain significance for Cardiovascular phenotype. Last evaluated: 2026-08-31. Review status: criteria provided, single submitter. Criteria: Ambry Variant Classification Scheme 2023. Collection method: clinical testing. Allele origin: germline.
Comment: The p.A439T variant (also known as c.1315G>A), located in coding exon 12 of the PRDM5 gene, results from a G to A substitution at nucleotide position 1315. The alanine at codon 439 is replaced by threonine, an amino acid with similar properties. This amino acid position is conserved. In addition, this alteration is predicted to be tolerated by in silico analysis. Based on the available evidence, the clinical significance of this variant remains unclear.

NM_018699.4(PRDM5):c.1315G>A (p.Ala439Thr)

Gene: PRDM5 (PR/SET domain 5; minus strand). Cytogenetic location: 4q27.
Variant type: single nucleotide variant.
Coding change: c.1315G>A on transcript NM_018699.4 (MANE Select); coding-DNA position 1315, G replaced by A.
Protein change: p.Ala439Thr; replaces alanine 439 with threonine.
Molecular consequence: missense variant.
Genome position (GRCh38, 1-based): chr4:120,781,271, C>T on the plus strand (G>A on the coding strand, the complement: PRDM5 is on the minus strand). VCF-style: chr4-120781271-C-T. GRCh37 (hg19) VCF-style: chr4-121702426-C-T.
Other names: c.1222G>A, p.Ala408Thr (NM_001300823.2, NM_001300824.2, NM_001379106.1); c.1348G>A, p.Ala450Thr (NM_001379104.1); short protein forms A408T, A450T, A439T.
Identifiers: ClinVar variation 5027268 (VCV005027268.1).